The following is an entry in ClinVar:

ClinVar aggregate classification (germline): Uncertain significance (1 of 4 stars; one submission).

Conditions:
TTN-related disorder. Also called: TTN-related condition; TTN-related disease; TTN-related disorders.

Submission:

PreventionGenetics, part of Exact Sciences
Classification: Uncertain significance for TTN-related condition. Last evaluated: 2023-09-23. Review status: criteria provided, single submitter. Criteria: ACMG Guidelines, 2015. Collection method: clinical testing. Allele origin: germline.
Comment: The TTN c.32308G>A variant is predicted to result in the amino acid substitution p.Glu10770Lys. To our knowledge, this variant has not been reported in the literature or in a large population database, indicating this variant is rare. At this time, the clinical significance of this variant is uncertain due to the absence of conclusive functional and genetic evidence.

NM_001267550.2(TTN):c.32308G>A (p.Glu10770Lys)

Gene: TTN (titin; minus strand). Cytogenetic location: 2q31.2.
Variant type: single nucleotide variant.
Coding change: c.32308G>A on transcript NM_001267550.2 (MANE Select); coding-DNA position 32308, G replaced by A.
Protein change: p.Glu10770Lys; replaces glutamic acid 10770 with lysine.
Molecular consequence: missense variant. On other transcripts: intron variant (3).
Genome position (GRCh38, 1-based): chr2:178,688,114, C>T on the plus strand (G>A on the coding strand, the complement: TTN is on the minus strand). VCF-style: chr2-178688114-C-T. GRCh37 (hg19) VCF-style: chr2-179552841-C-T.
Other names: c.31357G>A, p.Glu10453Lys (NM_001256850.1); c.28576G>A, p.Glu9526Lys (NM_133378.4); c.13283-45797G>A (NM_003319.4); c.13859-45797G>A (NM_133437.4); c.13658-45797G>A (NM_133432.3); short protein forms E10453K, E10770K, E9526K.
Identifiers: ClinVar variation 2630675 (VCV002630675.1), dbSNP rs2474324724, ClinGen allele CA349551199.